The following is an entry in ClinVar:

ClinVar aggregate classification (germline): Likely benign (0 of 4 stars; one submission).

Conditions:
KSR2-related disorder. Also called: KSR2-related condition.

Submission:

PreventionGenetics, part of Exact Sciences
Classification: Likely benign for KSR2-related condition. Last evaluated: 2022-03-23. Review status: no assertion criteria provided. Collection method: clinical testing. Allele origin: germline.
Comment: This variant is classified as likely benign based on ACMG/AMP sequence variant interpretation guidelines (Richards et al. 2015 PMID: 25741868, with internal and published modifications).

NM_173598.6(KSR2):c.1377G>T (p.Leu459=)

Gene: KSR2 (kinase suppressor of ras 2; minus strand). Cytogenetic location: 12q24.22.
Variant type: single nucleotide variant.
Coding change: c.1377G>T on transcript NM_173598.6 (MANE Select); coding-DNA position 1377, G replaced by T.
Protein change: p.Leu459=; no amino-acid change (leucine 459 retained).
Molecular consequence: synonymous variant.
Genome position (GRCh38, 1-based): chr12:117,558,522, C>A on the plus strand (G>T on the coding strand, the complement: KSR2 is on the minus strand). VCF-style: chr12-117558522-C-A. GRCh37 (hg19) VCF-style: chr12-117996327-C-A.
Identifiers: ClinVar variation 3355582 (VCV003355582.1).
Genomic context (GRCh38, chr12:117,558,522, plus strand): 5'-CCACCTCACCCCTGCCCCTAGGGCAGTAAGTGTTAAATAGTTACCTCCTCGGTGGATGAT[C>A]AGAAGATGACAGGGTGGGGCTTCTTTGGTGCATTTGTTGTGGCACTTTAACCTGAGAAAG-3'
Protein context (NP_775869.4, residues 449-469): CTKEAPPCHL[Leu459=]IIHRGDPARL